The following is an entry in ClinVar:

ClinVar aggregate classification (germline): Benign/Likely benign. Review status: criteria provided, multiple submitters, no conflicts (2 of 4 stars). 10 submissions from 9 submitters: Benign (7); Likely benign (2). 1 of the submissions does not count toward it. Last evaluated 2026-01-28.

Conditions:
RYR1-related disorder. Also called: RYR1-related disorders; RYR1-related condition. Identifiers: MedGen CN239331.
Congenital multicore myopathy with external ophthalmoplegia (CMYO1B). Also called: Congenital myopathy 1B, autosomal recessive; Minicore myopathy; MULTICORE MYOPATHY; Minicore myopathy with external ophthalmoplegia; MULTIMINICORE DISEASE WITH EXTERNAL OPHTHALMOPLEGIA. Identifiers: Orphanet 598, Orphanet 98905, MedGen C1850674, MONDO:0009712, OMIM 255320, HP:0003789.
Malignant hyperthermia, susceptibility to, 1 (MHS1). Also called: Anesthesia related hyperthermia; Malignant hyperpyrexia; Fulminating hyperpyrexia; Pharmacogenic myopathy; RYR1-Related Malignant Hyperthermia Susceptibility; Malignant hyperthermia suceptibility 1. Identifiers: Orphanet 423, MedGen C2930980, MONDO:0007783, OMIM 145600.

Allele frequency attached by ClinVar (database versions not stated): gnomAD exomes 0.00191; ExAC 0.00242; gnomAD 0.00639 and 0.00681; TOPMed 0.00776; ESP Exome Variant Server 0.00784; 1000 Genomes Project 0.00839; 1000 Genomes Project 30x 0.00859.
gnomAD v4.1: 2,154 of 1,613,808 alleles (0.13%); highest among the groups gnomAD compares: African/African-American, 2.2%; 25 homozygotes.

Submissions (10):

Labcorp Genetics (formerly Invitae), Labcorp
Classification: Benign for RYR1-related disorder. Last evaluated: 2026-01-28. Review status: criteria provided, single submitter. Criteria: Invitae Variant Classification Sherloc (09022015). Collection method: clinical testing. Allele origin: germline.

Blueprint Genetics
Classification: Likely benign. Last evaluated: 2024-11-27. Review status: criteria provided, single submitter. Criteria: ACMG Guidelines, 2015. Collection method: clinical testing. Allele origin: germline.

Mayo Clinic Laboratories, Mayo Clinic
Classification: Benign. Last evaluated: 2024-05-21. Review status: criteria provided, single submitter. Criteria: ACMG Guidelines, 2015. Collection method: clinical testing. Allele origin: germline. Observed: 4 variant alleles.
Comment: BA1, BP4, BP7

Color Diagnostics, LLC DBA Color Health
Classification: Benign for Malignant hyperthermia, susceptibility to, 1. Last evaluated: 2022-05-04. Review status: criteria provided, single submitter. Criteria: ACMG Guidelines, 2015. Collection method: clinical testing. Allele origin: germline.

Illumina Laboratory Services, Illumina
Classification: Benign for Malignant hyperthermia, susceptibility to, 1. Last evaluated: 2018-01-13. Review status: criteria provided, single submitter. Criteria: ICSL Variant Classification Criteria 13 December 2019. Collection method: clinical testing. Allele origin: germline.
Comment: This variant was observed in the ICSL laboratory as part of a predisposition screen in an ostensibly healthy population. It had not been previously curated by ICSL or reported in the Human Gene Mutation Database (HGMD: prior to June 1st, 2018), and was therefore a candidate for classification through an automated scoring system. Utilizing variant allele frequency, disease prevalence and penetrance estimates, and inheritance mode, an automated score was calculated to assess if this variant is too frequent to cause the disease. Based on the score and internal cut-off values, a variant classified as benign is not then subjected to further curation. The score for this variant resulted in a classification of benign for this disease.

Illumina Laboratory Services, Illumina
Classification: Benign for Congenital multicore myopathy with external ophthalmoplegia. Last evaluated: 2018-01-13. Review status: criteria provided, single submitter. Criteria: ICSL Variant Classification Criteria 13 December 2019. Collection method: clinical testing. Allele origin: germline.
Comment: the same text as in the submission from Illumina Laboratory Services, Illumina above.

GeneDx
Classification: Benign. Last evaluated: 2017-04-17. Review status: criteria provided, single submitter. Criteria: GeneDx Variant Classification (06012015). Collection method: clinical testing. Allele origin: germline. Affected: yes.
Comment: This variant is considered likely benign or benign based on one or more of the following criteria: it is a conservative change, it occurs at a poorly conserved position in the protein, it is predicted to be benign by multiple in silico algorithms, and/or has population frequency not consistent with disease.

PreventionGenetics, part of Exact Sciences
Classification: Benign. Last evaluated: 2017-02-15. Review status: criteria provided, single submitter. Criteria: ACMG Guidelines, 2015. Collection method: clinical testing. Allele origin: germline.

Breakthrough Genomics
Classification: Likely benign. Review status: criteria provided, single submitter. Criteria: ACMG Guidelines, 2015. Collection method: not provided. Allele origin: germline. Inheritance: Autosomal recessive inheritance. Affected: yes.

Genetic Services Laboratory, University of Chicago
Classification: Likely benign. Review status: no assertion criteria provided. Collection method: clinical testing. Allele origin: germline. Inheritance: Autosomal unknown. Not counted in ClinVar's aggregate classification.
Comment: Likely benign based on allele frequency in 1000 Genomes Project or ESP global frequency and its presence in a patient with a rare or unrelated disease phenotype. NOT Sanger confirmed

NM_000540.3(RYR1):c.3876C>A (p.Leu1292=)

Gene: RYR1 (ryanodine receptor 1; plus strand). Cytogenetic location: 19q13.2.
Variant type: single nucleotide variant.
Coding change: c.3876C>A on transcript NM_000540.3 (MANE Select); coding-DNA position 3876, C replaced by A.
Protein change: p.Leu1292=; no amino-acid change (leucine 1292 retained).
Molecular consequence: synonymous variant.
Genome position (GRCh38, 1-based): chr19:38,473,487, C>A. VCF-style: chr19-38473487-C-A. GRCh37 (hg19) VCF-style: chr19-38964127-C-A.
Other names: p.Leu1292=; c.3876C>A, p.Leu1292= (NM_001042723.2).
Identifiers: ClinVar variation 159845 (VCV000159845.26), dbSNP rs143750836, ClinGen allele CA024412.